The following is an entry in ClinVar:

ClinVar aggregate classification (germline): Uncertain significance (1 of 4 stars; one submission).

Submission:

Labcorp Genetics (formerly Invitae), Labcorp
Classification: Uncertain significance. Last evaluated: 2021-10-22. Review status: criteria provided, single submitter. Criteria: Invitae Variant Classification Sherloc (09022015). Collection method: clinical testing. Allele origin: germline.
Comment: This variant, c.9932_9934del, results in the deletion of 1 amino acid(s) of the USH2A protein (p.Glu3311del), but otherwise preserves the integrity of the reading frame. This variant is not present in population databases (ExAC no frequency). This variant has not been reported in the literature in individuals affected with USH2A-related conditions. Experimental studies and prediction algorithms are not available or were not evaluated, and the functional significance of this variant is currently unknown. In summary, the available evidence is currently insufficient to determine the role of this variant in disease. Therefore, it has been classified as a Variant of Uncertain Significance.

NM_206933.4(USH2A):c.9929AAG[1] (p.Glu3311del)

Gene: USH2A (usherin; minus strand). Cytogenetic location: 1q41.
Variant type: Microsatellite.
Coding change: c.9929AAG[1] on transcript NM_206933.4 (MANE Select); one copy of the 3-base unit AAG starting at c.9929; the reference has two copies in a row; one copy, 3 bases deleted.
Protein change: p.Glu3311del; deletes glutamic acid 3311.
Molecular consequence: inframe deletion.
Genome position (GRCh38, 1-based): chr1:215,798,931-215,798,933, CTT deleted on the plus strand (AAG on the coding strand, the reverse complement: USH2A is on the minus strand); deleting any 3 consecutive bases within chr1:215,798,931-215,798,938 gives the same sequence; the position shown is the placement nearest the transcript's 3' end. VCF-style (leftmost placement, unchanged base first): chr1-215798930-CCTT-C. GRCh37 (hg19) VCF-style: chr1-215972272-CCTT-C.
Other names: short protein forms E3311del.
Identifiers: ClinVar variation 2140078 (VCV002140078.1), dbSNP rs1282087791, ClinGen allele CA731366581.